The following is an entry in ClinVar:

ClinVar aggregate classification (germline): Pathogenic/Likely pathogenic. Review status: criteria provided, multiple submitters, no conflicts (2 of 4 stars). 5 submissions from 5 submitters: Pathogenic (4); Likely pathogenic (1). Last evaluated 2026-02-02.

Conditions:
Polycystic kidney disease, adult type (PKD1). Also called: Polycystic Kidney Disease 1, Autosomal Dominant; Polycystic kidney disease 1; Polycystic kidney disease 1, severe; Polycystic Kidney, Autosomal Dominant; POLYCYSTIC KIDNEY DISEASE, ADULT, TYPE I; POLYCYSTIC KIDNEY DISEASE 1 WITH OR WITHOUT POLYCYSTIC LIVER DISEASE. Identifiers: MedGen C3149841, MONDO:0008263, OMIM 173900.
PKD1-related disorder. Also called: PKD1-related condition.

Submissions (5):

GeneDx
Classification: Pathogenic. Last evaluated: 2026-02-02. Review status: criteria provided, single submitter. Criteria: GeneDx Variant Classification Process June 2021. Collection method: clinical testing. Allele origin: germline.
Comment: Nonsense variant predicted to result in protein truncation or nonsense mediated decay in a gene for which loss of function is a known mechanism of disease; Not observed at significant frequency in large population cohorts (gnomAD); This variant is associated with the following publications: (PMID: 26150605, 22508176)

Mayo Clinic Laboratories, Mayo Clinic
Classification: Likely pathogenic. Last evaluated: 2025-10-23. Review status: criteria provided, single submitter. Criteria: ACMG Guidelines, 2015. Collection method: clinical testing. Allele origin: germline. Observed: 2 variant alleles.
Comment: PM2_supporting, PVS1

Women's Health and Genetics/Laboratory Corporation of America, LabCorp
Classification: Pathogenic for Polycystic kidney disease, adult type. Last evaluated: 2024-12-04. Review status: criteria provided, single submitter. Criteria: LabCorp Variant Classification Summary - May 2015. Collection method: clinical testing. Allele origin: germline.
Comment: Variant summary: PKD1 c.1111G>T (p.Glu371X) results in a premature termination codon, predicted to cause a truncation of the encoded protein or absence of the protein due to nonsense mediated decay, which are commonly known mechanisms for disease. The variant was absent in 96656 control chromosomes (gnomAD). c.1111G>T has been reported in the literature in at least an individual affected with autosomal dominant polycystic kidney disease (example: Audrezet_2012). To our knowledge, no experimental evidence demonstrating an impact on protein function has been reported. The following publication have been ascertained in the context of this evaluation (PMID: 22508176). No submitters have cited clinical-significance assessments for this variant to ClinVar. Based on the evidence outlined above, the variant was classified as pathogenic.

Fulgent Genetics
Classification: Pathogenic for Polycystic kidney disease, adult type. Last evaluated: 2024-05-22. Review status: criteria provided, single submitter. Criteria: ACMG Guidelines, 2015. Collection method: clinical testing. Allele origin: germline.

Blueprint Genetics
Classification: Pathogenic for PKD1-related disorders. Last evaluated: 2021-12-29. Review status: criteria provided, single submitter. Criteria: ACMG Guidelines, 2015. Collection method: clinical testing. Allele origin: germline. Affected: yes. Observed: 1 variant allele.

Literature cited by the submitters: PubMed 22508176 (cited by Mayo Clinic Laboratories, Mayo Clinic and Women's Health and Genetics/Laboratory Corporation of America, LabCorp).

NM_001009944.3(PKD1):c.1111G>T (p.Glu371Ter)

Gene: PKD1 (polycystin 1, transient receptor potential channel interacting; minus strand). Cytogenetic location: 16p13.3.
Variant type: single nucleotide variant.
Coding change: c.1111G>T on transcript NM_001009944.3 (MANE Select); coding-DNA position 1111, G replaced by T.
Protein change: p.Glu371Ter; replaces glutamic acid 371 with a stop codon.
Molecular consequence: nonsense.
Genome position (GRCh38, 1-based): chr16:2,117,881, C>A on the plus strand (G>T on the coding strand, the complement: PKD1 is on the minus strand). VCF-style: chr16-2117881-C-A. GRCh37 (hg19) VCF-style: chr16-2167882-C-A.
Other names: p.Glu371*; c.1111G>T, p.Glu371Ter (NM_000296.4); short protein forms E371*.
Identifiers: ClinVar variation 3579786 (VCV003579786.5).